The following is an entry in ClinVar:

ClinVar aggregate classification (germline): Conflicting classifications of pathogenicity. Review status: criteria provided, conflicting classifications (1 of 4 stars). 3 submissions from 3 submitters: Uncertain significance (2); Likely benign (1). Last evaluated 2026-07-07.

Conditions:
Cardiovascular phenotype. Identifiers: MedGen CN230736.
Myofibrillar myopathy 5. Also called: Filaminopathy (type); FILAMINOPATHY, AUTOSOMAL DOMINANT. Identifiers: Orphanet 171445, MedGen C1836050, MONDO:0012289, OMIM 609524.
Hypertrophic cardiomyopathy 26. Also called: Cardiomyopathy, familial hypertrophic, 26. Identifiers: Orphanet 75249, MedGen C4310749, MONDO:0014883, OMIM 617047.
Distal myopathy with posterior leg and anterior hand involvement. Also called: WILLIAMS DISTAL MYOPATHY. Identifiers: Orphanet 63273, MedGen C3279722, MONDO:0013550, OMIM 614065.

Allele frequency attached by ClinVar (database versions not stated): gnomAD exomes below 0.00001 and 0.00001; ExAC 0.00001; gnomAD 0.00001; TOPMed 0.00001.
gnomAD v4.1: 8 of 1,613,850 alleles (0.0005%); highest among the groups gnomAD compares: South Asian, 0.0066%; no homozygotes.

Submissions (3):

Ambry Genetics
Classification: Uncertain significance for Cardiovascular phenotype. Last evaluated: 2026-07-07. Review status: criteria provided, single submitter. Criteria: Ambry Variant Classification Scheme 2023. Collection method: clinical testing. Allele origin: germline.
Comment: The p.P395L variant (also known as c.1184C>T), located in coding exon 7 of the FLNC gene, results from a C to T substitution at nucleotide position 1184. The proline at codon 395 is replaced by leucine, an amino acid with similar properties. This amino acid position is conserved. In addition, this alteration is predicted to be deleterious by in silico analysis. Based on the available evidence, the clinical significance of this variant remains unclear.

Labcorp Genetics (formerly Invitae), Labcorp
Classification: Likely benign for Distal myopathy with posterior leg and anterior hand involvement; Myofibrillar myopathy 5; Hypertrophic cardiomyopathy 26. Last evaluated: 2025-04-07. Review status: criteria provided, single submitter. Criteria: Invitae Variant Classification Sherloc (09022015). Collection method: clinical testing. Allele origin: germline.

GeneDx
Classification: Uncertain significance. Last evaluated: 2025-03-15. Review status: criteria provided, single submitter. Criteria: GeneDx Variant Classification Process June 2021. Collection method: clinical testing. Allele origin: germline. Affected: yes.
Comment: Not observed at significant frequency in large population cohorts (gnomAD); In silico analysis supports that this missense variant has a deleterious effect on protein structure/function; Has not been previously published as pathogenic or benign to our knowledge

NM_001458.5(FLNC):c.1184C>T (p.Pro395Leu)

Gene: FLNC (filamin C; plus strand). Cytogenetic location: 7q32.1.
Variant type: single nucleotide variant.
Coding change: c.1184C>T on transcript NM_001458.5 (MANE Select); coding-DNA position 1184, C replaced by T.
Protein change: p.Pro395Leu; replaces proline 395 with leucine.
Molecular consequence: missense variant.
Genome position (GRCh38, 1-based): chr7:128,838,403, C>T. VCF-style: chr7-128838403-C-T. GRCh37 (hg19) VCF-style: chr7-128478457-C-T.
Other names: c.1184C>T (NM_001458.4); c.1184C>T, p.Pro395Leu (NM_001127487.2); short protein forms P395L.
Identifiers: ClinVar variation 1512745 (VCV001512745.10), dbSNP rs750881912, ClinGen allele CA4474253.